The following is an entry in ClinVar:

NM_133433.4(NIPBL):c.5575-1G>A

Gene: NIPBL (NIPBL cohesin loading factor; plus strand). Cytogenetic location: 5p13.2.
Variant type: single nucleotide variant.
Coding change: c.5575-1G>A on transcript NM_133433.4 (MANE Select); the canonical splice acceptor site of the intron before coding-DNA position 5575, G replaced by A.
Molecular consequence: splice acceptor variant.
Genome position (GRCh38, 1-based): chr5:37,024,584, G>A. VCF-style: chr5-37024584-G-A. GRCh37 (hg19) VCF-style: chr5-37024686-G-A.
Other names: c.5575-1G>A (NM_015384.5).
Identifiers: ClinVar variation 996772 (VCV000996772.5), dbSNP rs1750049152, ClinGen allele CA359490960.

ClinVar aggregate classification (germline): Likely pathogenic. Review status: criteria provided, multiple submitters, no conflicts (2 of 4 stars). 2 submissions from 2 submitters: Likely pathogenic (2). Last evaluated 2023-09-17.

Conditions:
Cornelia de Lange syndrome 1 (CDLS1). Also called: NIPBL-Related Cornelia de Lange Syndrome; Brachmann de Lange syndrome; TYPUS DEGENERATIVUS AMSTELODAMENSIS. Identifiers: Orphanet 199, MedGen C4551851, MONDO:0007387, OMIM 122470.

Submissions (2):

Labcorp Genetics (formerly Invitae), Labcorp
Classification: Likely pathogenic for Cornelia de Lange syndrome 1. Last evaluated: 2023-09-17. Review status: criteria provided, single submitter. Criteria: Invitae Variant Classification Sherloc (09022015). Collection method: clinical testing. Allele origin: germline.
Comment: In summary, the currently available evidence indicates that the variant is pathogenic, but additional data are needed to prove that conclusively. Therefore, this variant has been classified as Likely Pathogenic. Studies have shown that disruption of this splice site is associated with altered splicing resulting in unknown protein product impact (PMID: 24918291). ClinVar contains an entry for this variant (Variation ID: 996772). Disruption of this splice site has been observed in individuals with Cornelia de Lange syndrome (PMID: 24918291; Invitae). This variant is not present in population databases (gnomAD no frequency). This sequence change affects an acceptor splice site in intron 29 of the NIPBL gene. It is expected to disrupt RNA splicing. Variants that disrupt the donor or acceptor splice site typically lead to a loss of protein function (PMID: 16199547), and loss-of-function variants in NIPBL are known to be pathogenic (PMID: 15318302, 19763162, 23505322, 29995837).

Institute of Medical Genetics and Applied Genomics, University Hospital Tübingen
Classification: Likely pathogenic. Last evaluated: 2021-02-01. Review status: criteria provided, single submitter. Criteria: ACMG Guidelines, 2015. Collection method: clinical testing. Allele origin: germline. Inheritance: Autosomal dominant inheritance. Affected: yes.

Literature cited by the submitters: PubMed 24918291 (cited by Labcorp Genetics (formerly Invitae), Labcorp); PubMed 16199547 (cited by Labcorp Genetics (formerly Invitae), Labcorp); PubMed 15318302 (cited by Labcorp Genetics (formerly Invitae), Labcorp); PubMed 19763162 (cited by Labcorp Genetics (formerly Invitae), Labcorp); PubMed 23505322 (cited by Labcorp Genetics (formerly Invitae), Labcorp); PubMed 29995837 (cited by Labcorp Genetics (formerly Invitae), Labcorp).